The following is an entry in ClinVar:

NM_024642.5(GALNT12):c.995T>G (p.Met332Arg)

Gene: GALNT12 (polypeptide N-acetylgalactosaminyltransferase 12; plus strand). Cytogenetic location: 9q22.33.
Variant type: single nucleotide variant.
Coding change: c.995T>G on transcript NM_024642.5 (MANE Select); coding-DNA position 995, T replaced by G.
Protein change: p.Met332Arg; replaces methionine 332 with arginine.
Molecular consequence: missense variant.
Genome position (GRCh38, 1-based): chr9:98,835,326, T>G. VCF-style: chr9-98835326-T-G. GRCh37 (hg19) VCF-style: chr9-101597608-T-G.
Other names: short protein forms M332R.
Identifiers: ClinVar variation 4261499 (VCV004261499.1).

ClinVar aggregate classification (germline): Uncertain significance (1 of 4 stars; one submission).

Submission:

Ambry Genetics
Classification: Uncertain significance. Last evaluated: 2025-08-14. Review status: criteria provided, single submitter. Criteria: Ambry Variant Classification Scheme 2023. Collection method: clinical testing. Allele origin: germline.
Comment: The p.M332R variant (also known as c.995T>G), located in coding exon 5 of the GALNT12 gene, results from a T to G substitution at nucleotide position 995. The methionine at codon 332 is replaced by arginine, an amino acid with similar properties. This amino acid position is conserved. In addition, this alteration is predicted to be deleterious by in silico analysis. Based on the available evidence, the clinical significance of this variant remains unclear.